The following is an entry in ClinVar:

NM_001723.7(DST):c.5314A>C (p.Ile1772Leu)

Gene: DST (dystonin; minus strand). Cytogenetic location: 6p12.1.
Variant type: single nucleotide variant.
Coding change: c.5314A>C on transcript NM_001723.7 (MANE Plus Clinical); coding-DNA position 5314, A replaced by C.
Protein change: p.Ile1772Leu; replaces isoleucine 1772 with leucine.
Molecular consequence: missense variant. On other transcripts: intron variant (10).
Genome position (GRCh38, 1-based): chr6:56,618,720, T>G on the plus strand (A>C on the coding strand, the complement: DST is on the minus strand). VCF-style: chr6-56618720-T-G. GRCh37 (hg19) VCF-style: chr6-56483518-T-G.
Other names: c.4831-4236A>C (NM_001144769.5); c.4930-4236A>C (NM_001374722.1, NM_001374736.1); c.4957-4236A>C (NM_001374734.1); c.4417-4236A>C (NM_001144770.2); c.4297-4236A>C (NM_001374730.1, NM_001386100.1, NM_183380.4 and 1 more transcripts); c.3319-4236A>C (NM_015548.5); short protein forms I1772L.
Identifiers: ClinVar variation 1447907 (VCV001447907.6), dbSNP rs758405219, ClinGen allele CA3870383.

ClinVar aggregate classification (germline): Uncertain significance (1 of 4 stars; one submission).

Conditions:
Hereditary sensory and autonomic neuropathy type 6. Also called: HSAN VI; Neuropathy, hereditary sensory and autonomic, type VI. Identifiers: Orphanet 314381, MedGen C3539003, MONDO:0013839, OMIM 614653.
Epidermolysis bullosa simplex 3, localized or generalized intermediate, with BP230 deficiency (EBS3). Also called: Epidermolysis bullosa simplex, autosomal recessive 2; Epidermolysis bullosa simplex due to BP230 deficiency. Identifiers: Orphanet 412181, MedGen C3809470, MONDO:0014180, OMIM 615425.

Allele frequency attached by ClinVar (database versions not stated): gnomAD exomes 0.00001; ExAC 0.00002.
gnomAD v4.1: 6 of 1,613,936 alleles (0.00037%); highest among the groups gnomAD compares: Non-Finnish European, 0.00051%; no homozygotes.

Submission:

Labcorp Genetics (formerly Invitae), Labcorp
Classification: Uncertain significance for Epidermolysis bullosa simplex 3, localized or generalized intermediate, with BP230 deficiency; Hereditary sensory and autonomic neuropathy type 6. Last evaluated: 2022-05-19. Review status: criteria provided, single submitter. Criteria: Invitae Variant Classification Sherloc (09022015). Collection method: clinical testing. Allele origin: germline.
Comment: This sequence change replaces isoleucine, which is neutral and non-polar, with leucine, which is neutral and non-polar, at codon 1772 of the DST protein (p.Ile1772Leu). This variant is present in population databases (rs758405219, gnomAD 0.002%). This variant has not been reported in the literature in individuals affected with DST-related conditions. Algorithms developed to predict the effect of missense changes on protein structure and function (SIFT, PolyPhen-2, Align-GVGD) all suggest that this variant is likely to be tolerated. In summary, the available evidence is currently insufficient to determine the role of this variant in disease. Therefore, it has been classified as a Variant of Uncertain Significance.